The following is an entry in ClinVar:

NC_000019.10:g.39480708G>A

Gene: TIMM50 (translocase of inner mitochondrial membrane 50; plus strand). Cytogenetic location: 19q13.2.
Variant type: single nucleotide variant.
Genome position: GRCh38 VCF-style: chr19-39480708-G-A. GRCh37 (hg19) VCF-style: chr19-39971348-G-A.
Identifiers: ClinVar variation 2040795 (VCV002040795.1), dbSNP rs200238073, ClinGen allele CA9431571.

ClinVar aggregate classification (germline): Uncertain significance (1 of 4 stars; one submission).

Allele frequency attached by ClinVar (database versions not stated): TOPMed below 0.00001; ExAC 0.00004; gnomAD exomes 0.00005; gnomAD 0.00010; 1000 Genomes Project 30x 0.00016; 1000 Genomes Project 0.00020.

Submission:

Labcorp Genetics (formerly Invitae), Labcorp
Classification: Uncertain significance. Last evaluated: 2022-07-19. Review status: criteria provided, single submitter. Criteria: Invitae Variant Classification Sherloc (09022015). Collection method: clinical testing. Allele origin: germline.
Comment: This sequence change replaces arginine, which is basic and polar, with histidine, which is basic and polar, at codon 55 of the TIMM50 protein (p.Arg55His). This variant is present in population databases (rs200238073, gnomAD 0.08%). This variant has not been reported in the literature in individuals affected with TIMM50-related conditions. Algorithms developed to predict the effect of missense changes on protein structure and function output the following: SIFT: "Not Available"; PolyPhen-2: "Benign"; Align-GVGD: "Not Available". The histidine amino acid residue is found in multiple mammalian species, which suggests that this missense change does not adversely affect protein function. In summary, the available evidence is currently insufficient to determine the role of this variant in disease. Therefore, it has been classified as a Variant of Uncertain Significance.